The following is an entry in ClinVar:

NM_000275.3(OCA2):c.500_501delinsTCAA (p.Arg167fs)

Gene: OCA2 (OCA2 melanosomal transmembrane protein; minus strand). Cytogenetic location: 15q13.1.
Variant type: Indel.
Coding change: c.500_501delinsTCAA on transcript NM_000275.3 (MANE Select); coding-DNA positions 500 to 501, GT replaced by TCAA.
Protein change: p.Arg167fs; shifts the reading frame from arginine 167.
Molecular consequence: frameshift variant.
Genome position (GRCh38, 1-based): chr15:28,027,885-28,027,886, AC replaced by TTGA on the plus strand (GT replaced by TCAA on the coding strand, the reverse complement: OCA2 is on the minus strand). VCF-style: chr15-28027885-AC-TTGA. GRCh37 (hg19) VCF-style: chr15-28273031-AC-TTGA.
Other names: c.500_501delinsTCAA, p.Arg167fs (NM_001300984.2); short protein forms R167fs.
Identifiers: ClinVar variation 5005377 (VCV005005377.2).

ClinVar aggregate classification (germline): Likely pathogenic (1 of 4 stars; one submission).

Conditions:
SKIN/HAIR/EYE PIGMENTATION 1, BLUE/NONBLUE EYES (SHEP1). Also called: BROWN EYE COLOR 2; SKIN/HAIR/EYE PIGMENTATION 1, BLOND/BROWN HAIR; SKIN/HAIR/EYE PIGMENTATION 1, BLUE/BROWN EYES; EYE COLOR 3; EYE COLOR, BLUE/NONBLUE; EYE COLOR, BROWN/BLUE. Identifiers: MedGen C1856895, OMIM 227220.
Tyrosinase-positive oculocutaneous albinism (OCA2). Also called: ALBINISM II; Oculocutaneous albinism type 2; Albinism, oculocutaneous, type II. Identifiers: Orphanet 79432, MedGen C0268495, MONDO:0008746, OMIM 203200.

Submission:

Juno Genomics, Hangzhou Juno Genomics, Inc
Classification: Likely pathogenic for SKIN/HAIR/EYE PIGMENTATION 1, BLUE/NONBLUE EYES; Tyrosinase-positive oculocutaneous albinism. Review status: criteria provided, single submitter. Criteria: ACMG Guidelines, 2015. Collection method: clinical testing. Allele origin: germline.
Comment: Null variant in a gene where loss of function (LOF) is a known mechanism of disease.;Absent from controls (or at extremely low frequency if recessive) in Genome Aggregation Database.